The following is an entry in ClinVar:

ClinVar aggregate classification (germline): Uncertain significance. Review status: criteria provided, multiple submitters, no conflicts (2 of 4 stars). 2 submissions from 2 submitters: Uncertain significance (2). Last evaluated 2024-08-13.

Conditions:
Classic or attenuated familial adenomatous polyposis. Identifiers: MedGen CN372698, MONDO:0021057.
Familial adenomatous polyposis 1 (FAP1). Also called: FAMILIAL ADENOMATOUS POLYPOSIS 1, ATTENUATED; POLYPOSIS, ADENOMATOUS INTESTINAL. Identifiers: MedGen C2713442, MONDO:0021056, OMIM 175100. Disease mechanism: loss of function.

Submissions (2):

All of Us Research Program, National Institutes of Health
Classification: Uncertain significance for Classic or attenuated familial adenomatous polyposis. Last evaluated: 2024-08-13. Review status: criteria provided, single submitter. Criteria: ACMG Guidelines, 2015. Collection method: clinical testing. Allele origin: germline. Inheritance: Autosomal dominant inheritance. Observed: 1 variant allele, 1 heterozygote.
Comment: This missense variant replaces glutamic acid with aspartic acid at codon 1157 of the APC protein. Computational prediction suggests that this variant may not impact protein structure and function (internally defined REVEL score threshold <= 0.5, PMID: 27666373). To our knowledge, functional studies have not been reported for this variant. This variant has not been reported in individuals affected with APC-related disorders in the literature. This variant has not been identified in the general population by the Genome Aggregation Database (gnomAD). The available evidence is insufficient to determine the role of this variant in disease conclusively. Therefore, this variant is classified as a Variant of Uncertain Significance.

This study involves interpretation of variants in research participants for the purpose of population health screening. Participant phenotype was not available at the time of variant classification. Additional details can be found in publication PMID: 35346344, PMCID: PMC8962531

Labcorp Genetics (formerly Invitae), Labcorp
Classification: Uncertain significance for Familial adenomatous polyposis 1. Last evaluated: 2021-09-09. Review status: criteria provided, single submitter. Criteria: Invitae Variant Classification Sherloc (09022015). Collection method: clinical testing. Allele origin: germline.
Comment: This sequence change replaces glutamic acid with aspartic acid at codon 1157 of the APC protein (p.Glu1157Asp). The glutamic acid residue is moderately conserved and there is a small physicochemical difference between glutamic acid and aspartic acid. This variant is not present in population databases (ExAC no frequency). This variant has not been reported in the literature in individuals affected with APC-related conditions. Algorithms developed to predict the effect of missense changes on protein structure and function output the following: SIFT: "Tolerated"; PolyPhen-2: "Benign"; Align-GVGD: "Class C0". The aspartic acid amino acid residue is found in multiple mammalian species, which suggests that this missense change does not adversely affect protein function. In summary, the available evidence is currently insufficient to determine the role of this variant in disease. Therefore, it has been classified as a Variant of Uncertain Significance.

NM_000038.6(APC):c.3471G>C (p.Glu1157Asp)

Gene: APC (APC regulator of Wnt signaling pathway; plus strand). Cytogenetic location: 5q22.2.
Variant type: single nucleotide variant.
Coding change: c.3471G>C on transcript NM_000038.6 (MANE Select); coding-DNA position 3471, G replaced by C.
Protein change: p.Glu1157Asp; replaces glutamic acid 1157 with aspartic acid.
Molecular consequence: missense variant.
Genome position (GRCh38, 1-based): chr5:112,839,065, G>C. VCF-style: chr5-112839065-G-C. GRCh37 (hg19) VCF-style: chr5-112174762-G-C.
Other names: c.3471G>C, p.Glu1157Asp (NM_001127510.3, NM_001354895.2); c.3417G>C, p.Glu1139Asp (NM_001127511.3); c.3525G>C, p.Glu1175Asp (NM_001354896.2); c.3501G>C, p.Glu1167Asp (NM_001354897.2); c.3396G>C, p.Glu1132Asp (NM_001354898.2); c.3387G>C, p.Glu1129Asp (NM_001354899.2); c.3348G>C, p.Glu1116Asp (NM_001354900.2); c.3294G>C, p.Glu1098Asp (NM_001354901.2); and 5 more; short protein forms E1031D, E1116D, E1132D, E1139D, E997D, E1056D, E1129D, E1157D.
Identifiers: ClinVar variation 1504155 (VCV001504155.7), dbSNP rs143927847, ClinGen allele CA16028952.